The following is an entry in ClinVar:

ClinVar aggregate classification (germline): Uncertain significance (1 of 4 stars; one submission).

Submission:

Labcorp Genetics (formerly Invitae), Labcorp
Classification: Uncertain significance. Last evaluated: 2023-11-27. Review status: criteria provided, single submitter. Criteria: Invitae Variant Classification Sherloc (09022015). Collection method: clinical testing. Allele origin: germline.
Comment: This sequence change replaces serine, which is neutral and polar, with threonine, which is neutral and polar, at codon 246 of the POLD2 protein (p.Ser246Thr). This variant is not present in population databases (gnomAD no frequency). This variant has not been reported in the literature in individuals affected with POLD2-related conditions. Experimental studies and prediction algorithms are not available or were not evaluated, and the functional significance of this variant is currently unknown. In summary, the available evidence is currently insufficient to determine the role of this variant in disease. Therefore, it has been classified as a Variant of Uncertain Significance.

NM_006230.4(POLD2):c.632G>C (p.Ser211Thr)

Gene: POLD2 (DNA polymerase delta 2, accessory subunit; minus strand). Cytogenetic location: 7p13.
Variant type: single nucleotide variant.
Coding change: c.632G>C on transcript NM_006230.4 (MANE Select); coding-DNA position 632, G replaced by C.
Protein change: p.Ser211Thr; replaces serine 211 with threonine.
Molecular consequence: missense variant.
Genome position (GRCh38, 1-based): chr7:44,116,965, C>G on the plus strand (G>C on the coding strand, the complement: POLD2 is on the minus strand). VCF-style: chr7-44116965-C-G. GRCh37 (hg19) VCF-style: chr7-44156564-C-G.
Other names: c.632G>C, p.Ser211Thr (NM_001127218.3, NM_001256879.2); short protein forms S211T.
Identifiers: ClinVar variation 2751982 (VCV002751982.3), dbSNP rs2484388283, ClinGen allele CA367384362.
Genomic context (GRCh38, chr7:44,116,965, plus strand): 5'-TCCCCTTCGTCCCCAAGCTGCCCCGTCACCACATCCACCAGCAGCTGGGTGCCCAGCAGG[C>G]TCTCGCCTCCACCGCCACCCAGGCCCAGGCCGGACACCAGTAGCACAAACCTGCGGGAGA-3'
Protein context (NP_006221.3, residues 201-221): GLGLGGGGGE[Ser211Thr]LLGTQLLVDV